The following is an entry in ClinVar:

ClinVar aggregate classification (germline): Uncertain significance (1 of 4 stars; one submission).

Conditions:
Brugada syndrome. Also called: Sudden unexpected nocturnal death syndrome; Sudden Unexplained Death Syndrome; Sudden Unexplained Nocturnal Death Syndrome (SUNDS); Sudden unexplained nocturnal death syndrome. Identifiers: Orphanet 130, MedGen C1142166, MONDO:0015263.

Submission:

Labcorp Genetics (formerly Invitae), Labcorp
Classification: Uncertain significance for Brugada syndrome. Last evaluated: 2025-10-04. Review status: criteria provided, single submitter. Criteria: Invitae Variant Classification Sherloc (09022015). Collection method: clinical testing. Allele origin: germline.
Comment: This variant, c.33_38del, results in the deletion of 2 amino acid(s) of the CACNA2D1 protein (p.Thr12_Leu13del), but otherwise preserves the integrity of the reading frame. This variant is not present in population databases (gnomAD no frequency). This variant has not been reported in the literature in individuals affected with CACNA2D1-related conditions. Experimental studies and prediction algorithms are not available or were not evaluated, and the functional significance of this variant is currently unknown. In summary, the available evidence is currently insufficient to determine the role of this variant in disease. Therefore, it has been classified as a Variant of Uncertain Significance.

NM_000722.4(CACNA2D1):c.33_38del (p.10TL[1])

Gene: CACNA2D1 (calcium voltage-gated channel auxiliary subunit alpha2delta 1; minus strand). Cytogenetic location: 7q21.11.
Variant type: Deletion.
Coding change: c.33_38del on transcript NM_000722.4 (MANE Select); coding-DNA positions 33 to 38, 6 bases deleted (GACACT; older notation c.33_38delGACACT).
Protein change: p.10TL[1].
Genome position (GRCh38, 1-based): chr7:82,443,422-82,443,427, AGTGTC deleted on the plus strand (GACACT on the coding strand, the reverse complement: CACNA2D1 is on the minus strand); deleting any 6 consecutive bases within chr7:82,443,422-82,443,429 gives the same sequence; the c. name uses the placement nearest the transcript's 3' end. VCF-style (leftmost placement, unchanged base first): chr7-82443421-AAGTGTC-A. GRCh37 (hg19) VCF-style: chr7-82072737-AAGTGTC-A.
Other names: c.33_38del, p.10TL[1] (NM_001302890.2, NM_001366867.1).
Identifiers: ClinVar variation 4761850 (VCV004761850.1).